The following is an entry in ClinVar:

ClinVar aggregate classification (germline): Uncertain significance (1 of 4 stars; one submission).

Submission:

Ambry Genetics
Classification: Uncertain significance. Last evaluated: 2025-03-24. Review status: criteria provided, single submitter. Criteria: Ambry Variant Classification Scheme 2023. Collection method: clinical testing. Allele origin: germline.
Comment: The p.A559T variant (also known as c.1675G>A), located in coding exon 2 of the CDK12 gene, results from a G to A substitution at nucleotide position 1675. The alanine at codon 559 is replaced by threonine, an amino acid with similar properties. This amino acid position is conserved. In addition, this alteration is predicted to be tolerated by in silico analysis. Based on the available evidence, the clinical significance of this variant remains unclear.

NM_016507.4(CDK12):c.1675G>A (p.Ala559Thr)

Gene: CDK12 (cyclin dependent kinase 12; plus strand). Cytogenetic location: 17q12.
Variant type: single nucleotide variant.
Coding change: c.1675G>A on transcript NM_016507.4 (MANE Select); coding-DNA position 1675, G replaced by A.
Protein change: p.Ala559Thr; replaces alanine 559 with threonine.
Molecular consequence: missense variant.
Genome position (GRCh38, 1-based): chr17:39,471,507, G>A. VCF-style: chr17-39471507-G-A. GRCh37 (hg19) VCF-style: chr17-37627760-G-A.
Other names: c.1675G>A, p.Ala559Thr (NM_015083.4); short protein forms A559T.
Identifiers: ClinVar variation 3999263 (VCV003999263.1).